The following is an entry in ClinVar:

ClinVar aggregate classification (germline): Uncertain significance (1 of 4 stars; one submission).

Allele frequency attached by ClinVar (database versions not stated): gnomAD exomes below 0.00001.
gnomAD v4.1: 1 of 1,614,090 alleles (0.000062%); highest among the groups gnomAD compares: Non-Finnish European, 0.000085%; no homozygotes.

Submission:

Labcorp Genetics (formerly Invitae), Labcorp
Classification: Uncertain significance. Last evaluated: 2020-11-28. Review status: criteria provided, single submitter. Criteria: Invitae Variant Classification Sherloc (09022015). Collection method: clinical testing. Allele origin: germline.
Comment: This variant has not been reported in the literature in individuals with MAK-related conditions. This variant is not present in population databases (ExAC no frequency). This sequence change replaces leucine with valine at codon 249 of the MAK protein (p.Leu249Val). The leucine residue is highly conserved and there is a small physicochemical difference between leucine and valine. Experimental studies and prediction algorithms are not available or were not evaluated, and the functional significance of this variant is currently unknown. In summary, the available evidence is currently insufficient to determine the role of this variant in disease. Therefore, it has been classified as a Variant of Uncertain Significance.

NM_001242957.3(MAK):c.745C>G (p.Leu249Val)

Gene: MAK (male germ cell associated kinase; minus strand). Cytogenetic location: 6p24.2.
Variant type: single nucleotide variant.
Coding change: c.745C>G on transcript NM_001242957.3 (MANE Select); coding-DNA position 745, C replaced by G.
Protein change: p.Leu249Val; replaces leucine 249 with valine.
Molecular consequence: missense variant. On other transcripts: non-coding transcript variant (2).
Genome position (GRCh38, 1-based): chr6:10,801,978, G>C on the plus strand (C>G on the coding strand, the complement: MAK is on the minus strand). VCF-style: chr6-10801978-G-C. GRCh37 (hg19) VCF-style: chr6-10802211-G-C.
Other names: c.745C>G, p.Leu249Val (NM_001242385.2, NM_005906.6); c.643C>G, p.Leu215Val (NM_001377262.1); short protein forms L249V, L215V.
Identifiers: ClinVar variation 1415699 (VCV001415699.6), dbSNP rs1776048457, ClinGen allele CA362720149.